The following is an entry in ClinVar:

NM_000245.4(MET):c.1624C>T (p.His542Tyr)

Gene: MET (MET proto-oncogene, receptor tyrosine kinase; plus strand). Cytogenetic location: 7q31.2.
Variant type: single nucleotide variant.
Coding change: c.1624C>T on transcript NM_000245.4 (MANE Select); coding-DNA position 1624, C replaced by T.
Protein change: p.His542Tyr; replaces histidine 542 with tyrosine.
Molecular consequence: missense variant.
Genome position (GRCh38, 1-based): chr7:116,740,948, C>T. VCF-style: chr7-116740948-C-T. GRCh37 (hg19) VCF-style: chr7-116381002-C-T.
Other names: c.1624C>T, p.His542Tyr (NM_001127500.3, NM_001324401.3); c.334C>T, p.His112Tyr (NM_001324402.2); short protein forms H112Y, H542Y.
Identifiers: ClinVar variation 4859988 (VCV004859988.1).
Genomic context (GRCh38, chr7:116,740,948, plus strand): 5'-CATTTCCAGTCCTGCAGTCAATGCCTCTCTGCCCCACCCTTTGTTCAGTGTGGCTGGTGC[C>T]ACGACAAATGTGTGCGATCGGAGGAATGCCTGAGCGGGACATGGACTCAACAGATCTGTC-3'
Protein context (NP_000236.2, residues 532-552): APPFVQCGWC[His542Tyr]DKCVRSEECL

ClinVar aggregate classification (germline): Uncertain significance (1 of 4 stars; one submission).

Conditions:
Hereditary cancer-predisposing syndrome. Also called: Neoplastic Syndromes, Hereditary; Tumor predisposition; Hereditary Cancer Syndrome; Hereditary neoplastic syndrome. Identifiers: Orphanet 140162, MedGen C0027672, MeSH D009386, MONDO:0015356.

gnomAD v4.1: 1 of 1,614,138 alleles (0.000062%); highest among the groups gnomAD compares: Non-Finnish European, 0.000085%; no homozygotes.

Submission:

Ambry Genetics
Classification: Uncertain significance for Hereditary cancer-predisposing syndrome. Last evaluated: 2026-05-14. Review status: criteria provided, single submitter. Criteria: Ambry Variant Classification Scheme 2023. Collection method: clinical testing. Allele origin: germline.
Comment: The p.H542Y variant (also known as c.1624C>T), located in coding exon 4 of the MET gene, results from a C to T substitution at nucleotide position 1624. The histidine at codon 542 is replaced by tyrosine, an amino acid with similar properties. This amino acid position is conserved. In addition, this alteration is predicted to be tolerated by in silico analysis. Based on the available evidence, the clinical significance of this variant remains unclear.